The following is an entry in ClinVar:

ClinVar aggregate classification (germline): Conflicting classifications of pathogenicity. Review status: criteria provided, conflicting classifications (1 of 4 stars). 3 submissions from 3 submitters: Likely pathogenic (1); Uncertain significance (1). 1 of the submissions does not count toward it. Last evaluated 2020-07-17.

Conditions:
Congenital myasthenic syndrome 18. Also called: MYASTHENIC SYNDROME, CONGENITAL, 18, WITH INTELLECTUAL DISABILITY AND ATAXIA. Identifiers: Orphanet 590, MedGen C4225364, MONDO:0014590, OMIM 616330.
Developmental and epileptic encephalopathy. Identifiers: MedGen C5779964, MONDO:0100620.

Submissions (3):

Blueprint Genetics
Classification: Uncertain significance. Last evaluated: 2020-07-17. Review status: criteria provided, single submitter. Criteria: ACMG Guidelines, 2015. Collection method: clinical testing. Allele origin: germline.

Institute of Human Genetics, University of Leipzig Medical Center
Classification: Likely pathogenic for Early-infantile DEE. Last evaluated: 2020-07-15. Review status: criteria provided, single submitter. Criteria: ACMG Guidelines, 2015. Collection method: clinical testing. Allele origin: de novo. Affected: yes.
Comment: This variant was identified as de novo (maternity and paternity confirmed).

OMIM
Classification: Pathogenic for DEVELOPMENTAL AND EPILEPTIC ENCEPHALOPATHY 117. Last evaluated: 2025-05-27. Review status: no assertion criteria provided. Collection method: literature only. Allele origin: germline. Not counted in ClinVar's aggregate classification.

Literature cited by the submitters: PubMed 33299146 (cited by Institute of Human Genetics, University of Leipzig Medical Center and OMIM); PubMed 29942082 (cited by OMIM).

NM_130811.4(SNAP25):c.520C>T (p.Gln174Ter)

Gene: SNAP25 (synaptosome associated protein 25; plus strand). Cytogenetic location: 20p12.2.
Variant type: single nucleotide variant.
Coding change: c.520C>T on transcript NM_130811.4 (MANE Select); coding-DNA position 520, C replaced by T.
Protein change: p.Gln174Ter; replaces glutamine 174 with a stop codon.
Molecular consequence: nonsense.
Genome position (GRCh38, 1-based): chr20:10,299,380, C>T. VCF-style: chr20-10299380-C-T. GRCh37 (hg19) VCF-style: chr20-10280028-C-T.
Other names: c.520C>T, p.Gln174Ter (NM_001322902.2, NM_001322903.2, NM_001322904.2 and 7 more transcripts); short protein forms Q174*.
Identifiers: ClinVar variation 1285529 (VCV001285529.5), dbSNP rs2123159470, ClinGen allele CA408266705.